The following is an entry in ClinVar:

ClinVar aggregate classification (germline): Uncertain significance (1 of 4 stars; one submission).

Submission:

Labcorp Genetics (formerly Invitae), Labcorp
Classification: Uncertain significance. Last evaluated: 2024-01-15. Review status: criteria provided, single submitter. Criteria: Invitae Variant Classification Sherloc (09022015). Collection method: clinical testing. Allele origin: germline.
Comment: This sequence change replaces threonine, which is neutral and polar, with alanine, which is neutral and non-polar, at codon 667 of the SCN3A protein (p.Thr667Ala). This variant is not present in population databases (gnomAD no frequency). This variant has not been reported in the literature in individuals affected with SCN3A-related conditions. Advanced modeling of protein sequence and biophysical properties (such as structural, functional, and spatial information, amino acid conservation, physicochemical variation, residue mobility, and thermodynamic stability) performed at Invitae indicates that this missense variant is not expected to disrupt SCN3A protein function with a negative predictive value of 95%. In summary, the available evidence is currently insufficient to determine the role of this variant in disease. Therefore, it has been classified as a Variant of Uncertain Significance.

NM_006922.4(SCN3A):c.1999A>G (p.Thr667Ala)

Gene: SCN3A (sodium voltage-gated channel alpha subunit 3; minus strand). Cytogenetic location: 2q24.3.
Variant type: single nucleotide variant.
Coding change: c.1999A>G on transcript NM_006922.4 (MANE Select); coding-DNA position 1999, A replaced by G.
Protein change: p.Thr667Ala; replaces threonine 667 with alanine.
Molecular consequence: missense variant. On other transcripts: intron variant (2).
Genome position (GRCh38, 1-based): chr2:165,140,671, T>C on the plus strand (A>G on the coding strand, the complement: SCN3A is on the minus strand). VCF-style: chr2-165140671-T-C. GRCh37 (hg19) VCF-style: chr2-165997181-T-C.
Other names: c.1872+127A>G (NM_001081676.2, NM_001081677.2); short protein forms T667A.
Identifiers: ClinVar variation 2761117 (VCV002761117.3), dbSNP rs2468322045, ClinGen allele CA349046132.